The following is an entry in ClinVar:

ClinVar aggregate classification (germline): Pathogenic (1 of 4 stars; one submission).

Conditions:
Neuronal ceroid lipofuscinosis 11. Also called: GRN-Related Neuronal Ceroid-Lipofuscinosis. Identifiers: Orphanet 314629, Orphanet 79262, MedGen C3539123, MONDO:0013866, OMIM 614706.
GRN-related frontotemporal lobar degeneration with Tdp43 inclusions (FTD2). Also called: DEMENTIA, HEREDITARY DYSPHASIC DISINHIBITION; FRONTOTEMPORAL LOBAR DEGENERATION WITH UBIQUITIN-POSITIVE INCLUSIONS; FTLD-TDP, GRN-RELATED; GRN Frontotemporal Dementia; FRONTOTEMPORAL DEMENTIA WITH TDP43 INCLUSIONS, GRN-RELATED. Identifiers: Orphanet 100070, Orphanet 282, MedGen C1843792, MONDO:0011842, OMIM 607485. Disease mechanism: loss of function.

Submission:

Labcorp Genetics (formerly Invitae), Labcorp
Classification: Pathogenic for Neuronal ceroid lipofuscinosis 11; GRN-related frontotemporal lobar degeneration with Tdp43 inclusions. Last evaluated: 2022-04-18. Review status: criteria provided, single submitter. Criteria: Invitae Variant Classification Sherloc (09022015). Collection method: clinical testing. Allele origin: germline.
Comment: For these reasons, this variant has been classified as Pathogenic. This premature translational stop signal has been observed in individual(s) with frontotemporal dementia (PMID: 16862116). This variant is not present in population databases (gnomAD no frequency). This sequence change creates a premature translational stop signal (p.Trp386*) in the GRN gene. It is expected to result in an absent or disrupted protein product. Loss-of-function variants in GRN are known to be pathogenic (PMID: 16862116, 16950801, 22608501).

Literature cited by the submitters: PubMed 16862116; PubMed 16950801; PubMed 22608501.

NM_002087.4(GRN):c.1158G>A (p.Trp386Ter)

Gene: GRN (granulin precursor; plus strand). Cytogenetic location: 17q21.31.
Variant type: single nucleotide variant.
Coding change: c.1158G>A on transcript NM_002087.4 (MANE Select); coding-DNA position 1158, G replaced by A.
Protein change: p.Trp386Ter; replaces tryptophan 386 with a stop codon.
Molecular consequence: nonsense.
Genome position (GRCh38, 1-based): chr17:44,351,774, G>A. VCF-style: chr17-44351774-G-A. GRCh37 (hg19) VCF-style: chr17-42429142-G-A.
Other names: short protein forms W386*.
Identifiers: ClinVar variation 2127749 (VCV002127749.4), dbSNP rs2044779598, ClinGen allele CA399766505.
Genomic context (GRCh38, chr17:44,351,774, plus strand): 5'-TGATAATGTCAGCAGCTGTCCCTCCTCCGATACCTGCTGCCAACTCACGTCTGGGGAGTG[G>A]GGCTGCTGTCCAATCCCAGAGGTATATGGGAGGGGACAGCATCTTGGCCTGGGCAGGTGG-3'